The following is an entry in ClinVar:

NM_001655.5(ARCN1):c.906G>A (p.Met302Ile)

Gene: ARCN1 (archain 1 coat protein complex I subunit delta; plus strand). Cytogenetic location: 11q23.3.
Variant type: single nucleotide variant.
Coding change: c.906G>A on transcript NM_001655.5 (MANE Select); coding-DNA position 906, G replaced by A.
Protein change: p.Met302Ile; replaces methionine 302 with isoleucine.
Molecular consequence: missense variant. On other transcripts: non-coding transcript variant (2).
Genome position (GRCh38, 1-based): chr11:118,590,428, G>A. VCF-style: chr11-118590428-G-A. GRCh37 (hg19) VCF-style: chr11-118461143-G-A.
Other names: c.642G>A, p.Met214Ile (NM_001142281.2, NM_001425081.1); c.906G>A, p.Met302Ile (NM_001425073.1, NM_001425078.1); c.903G>A, p.Met301Ile (NM_001425074.1, NM_001425079.1); c.849G>A, p.Met283Ile (NM_001425075.1); c.837G>A, p.Met279Ile (NM_001425076.1); c.741G>A, p.Met247Ile (NM_001425077.1); c.462G>A, p.Met154Ile (NM_001425080.1); short protein forms M247I, M283I, M301I, M302I, M154I, M279I, M214I.
Identifiers: ClinVar variation 4713726 (VCV004713726.1).

ClinVar aggregate classification (germline): Uncertain significance (1 of 4 stars; one submission).

Submission:

Labcorp Genetics (formerly Invitae), Labcorp
Classification: Uncertain significance. Last evaluated: 2025-03-04. Review status: criteria provided, single submitter. Criteria: Invitae Variant Classification Sherloc (09022015). Collection method: clinical testing. Allele origin: germline.
Comment: This sequence change replaces methionine, which is neutral and non-polar, with isoleucine, which is neutral and non-polar, at codon 302 of the ARCN1 protein (p.Met302Ile). This variant is not present in population databases (gnomAD no frequency). This variant has not been reported in the literature in individuals affected with ARCN1-related conditions. An algorithm developed to predict the effect of missense changes on protein structure and function (PolyPhen-2) suggests that this variant is likely to be tolerated. In summary, the available evidence is currently insufficient to determine the role of this variant in disease. Therefore, it has been classified as a Variant of Uncertain Significance.